The following is an entry in ClinVar:

ClinVar aggregate classification (germline): Uncertain significance (1 of 4 stars; one submission).

gnomAD v4.1: 12 of 1,515,414 alleles (0.00079%); highest among the groups gnomAD compares: Non-Finnish European, 0.0011%; no homozygotes.

Submission:

Labcorp Genetics (formerly Invitae), Labcorp
Classification: Uncertain significance. Last evaluated: 2025-05-13. Review status: criteria provided, single submitter. Criteria: Invitae Variant Classification Sherloc (09022015). Collection method: clinical testing. Allele origin: germline.
Comment: This sequence change replaces glutamic acid, which is acidic and polar, with lysine, which is basic and polar, at codon 143 of the MESP2 protein (p.Glu143Lys). This variant is not present in population databases (gnomAD no frequency). This variant has not been reported in the literature in individuals affected with MESP2-related conditions. Invitae Evidence Modeling of protein sequence and biophysical properties (such as structural, functional, and spatial information, amino acid conservation, physicochemical variation, residue mobility, and thermodynamic stability) indicates that this missense variant is not expected to disrupt MESP2 protein function with a negative predictive value of 80%. In summary, the available evidence is currently insufficient to determine the role of this variant in disease. Therefore, it has been classified as a Variant of Uncertain Significance.

NM_001039958.2(MESP2):c.427G>A (p.Glu143Lys)

Gene: MESP2 (mesoderm posterior bHLH transcription factor 2; plus strand). Cytogenetic location: 15q26.1.
Variant type: single nucleotide variant.
Coding change: c.427G>A on transcript NM_001039958.2 (MANE Select); coding-DNA position 427, G replaced by A.
Protein change: p.Glu143Lys; replaces glutamic acid 143 with lysine.
Molecular consequence: missense variant.
Genome position (GRCh38, 1-based): chr15:89,776,784, G>A. VCF-style: chr15-89776784-G-A. GRCh37 (hg19) VCF-style: chr15-90320015-G-A.
Other names: short protein forms E143K.
Identifiers: ClinVar variation 4779482 (VCV004779482.1).
Genomic context (GRCh38, chr15:89,776,784, plus strand): 5'-GAGACGCTGCGCCTGGCCATCCGCTACATCGGCCACCTATCGGCCGTGCTGGGTCTCAGC[G>A]AGGAGAGTCTGCAGTGCCGGCGCAGGCAGCGCGGGGACGCGGGGTCCCCTTGGGGCTGCC-3'
Protein context (NP_001035047.1, residues 133-153): GHLSAVLGLS[Glu143Lys]ESLQCRRRQR